The following is an entry in ClinVar:

ClinVar aggregate classification (germline): Uncertain significance (1 of 4 stars; one submission).

Conditions:
Costello syndrome (CSTLO). Also called: HRAS-Related Costello Syndrome; FCS SYNDROME; FACIOCUTANEOSKELETAL SYNDROME. Identifiers: Orphanet 3071, MedGen C0587248, MONDO:0009026, OMIM 218040.

Allele frequency attached by ClinVar (database versions not stated): ExAC 0.00001; gnomAD exomes 0.00001; TOPMed 0.00001.
gnomAD v4.1: 4 of 1,613,858 alleles (0.00025%); highest among the groups gnomAD compares: South Asian, 0.0011%; no homozygotes.

Submission:

Labcorp Genetics (formerly Invitae), Labcorp
Classification: Uncertain significance for Costello syndrome. Last evaluated: 2025-12-04. Review status: criteria provided, single submitter. Criteria: Invitae Variant Classification Sherloc (09022015). Collection method: clinical testing. Allele origin: germline.
Comment: This sequence change replaces serine, which is neutral and polar, with leucine, which is neutral and non-polar, at codon 106 of the HRAS protein (p.Ser106Leu). This variant is present in population databases (rs730880462, gnomAD 0.002%). This variant has not been reported in the literature in individuals affected with HRAS-related conditions. ClinVar contains an entry for this variant (Variation ID: 409948). Invitae Evidence Modeling incorporating data from in vitro experimental studies (internal data) indicates that this missense variant is not expected to disrupt HRAS function with a negative predictive value of 95%. In summary, the available evidence is currently insufficient to determine the role of this variant in disease. Therefore, it has been classified as a Variant of Uncertain Significance.

NM_005343.4(HRAS):c.317C>T (p.Ser106Leu)

Genes: HRAS (HRas proto-oncogene, GTPase; minus strand), LRRC56 (leucine rich repeat containing 56; plus strand). Cytogenetic location: 11p15.5.
Variant type: single nucleotide variant.
Coding change: c.317C>T on transcript NM_005343.4 (MANE Select); coding-DNA position 317, C replaced by T.
Protein change: p.Ser106Leu; replaces serine 106 with leucine.
Molecular consequence: missense variant. On other transcripts: 5 prime UTR variant (1).
Genome position (GRCh38, 1-based): chr11:533,586, G>A on the plus strand (C>T on the coding strand, the complement: HRAS is on the minus strand). VCF-style: chr11-533586-G-A. GRCh37 (hg19) VCF-style: chr11-533586-G-A.
Other names: c.317C>T, p.Ser106Leu (NM_001130442.3, NM_176795.5); c.-3C>T (NM_001318054.2); short protein forms S106L.
Identifiers: ClinVar variation 409948 (VCV000409948.11), dbSNP rs730880462, ClinGen allele CA5779333.